The following is an entry in ClinVar:

ClinVar aggregate classification (germline): Benign/Likely benign. Review status: criteria provided, multiple submitters, no conflicts (2 of 4 stars). 3 submissions from 3 submitters: Benign (1); Likely benign (2). Last evaluated 2025-08-04.

Conditions:
Hereditary cancer-predisposing syndrome. Also called: Tumor predisposition; Neoplastic Syndromes, Hereditary; Hereditary Cancer Syndrome; Hereditary neoplastic syndrome. Identifiers: Orphanet 140162, MedGen C0027672, MeSH D009386, MONDO:0015356.
Familial cancer of breast. Also called: BREAST CANCER, FAMILIAL; Hereditary breast cancer; hereditary breast carcinoma. Identifiers: Orphanet 227535, MedGen C0346153, MONDO:0016419, OMIM 114480. Disease mechanism: loss of function.
Ataxia-telangiectasia syndrome (AT). Also called: LOUIS-BAR SYNDROME; Cerebello-oculocutaneous telangiectasia; Immunodeficiency with ataxia telangiectasia; Ataxia-telangiectasia, complementation group D; AT, COMPLEMENTATION GROUP C; ATAXIA-TELANGIECTASIA, COMPLEMENTATION GROUP A. Identifiers: Orphanet 100, MedGen C0004135, MONDO:0008840, OMIM 208900.

Submissions (3):

Labcorp Genetics (formerly Invitae), Labcorp
Classification: Likely benign for Ataxia-telangiectasia syndrome. Last evaluated: 2025-08-04. Review status: criteria provided, single submitter. Criteria: Invitae Variant Classification Sherloc (09022015). Collection method: clinical testing. Allele origin: germline.

Myriad Genetics, Inc.
Classification: Benign for Familial cancer of breast. Last evaluated: 2024-05-01. Review status: criteria provided, single submitter. Criteria: Myriad Autosomal Dominant, Autosomal Recessive and X-Linked Classification Criteria (2023). Collection method: clinical testing. Allele origin: unknown.
Comment: This variant is considered benign. This variant is a silent/synonymous amino acid change and it is not expected to impact splicing.

Ambry Genetics
Classification: Likely benign for Hereditary cancer-predisposing syndrome. Last evaluated: 2021-10-10. Review status: criteria provided, single submitter. Criteria: Ambry Variant Classification Scheme 2023. Collection method: clinical testing. Allele origin: germline.

NM_000051.4(ATM):c.1788T>C (p.Pro596=)

Gene: ATM (ATM serine/threonine kinase; plus strand). Cytogenetic location: 11q22.3.
Variant type: single nucleotide variant.
Coding change: c.1788T>C on transcript NM_000051.4 (MANE Select); coding-DNA position 1788, T replaced by C.
Protein change: p.Pro596=; no amino-acid change (proline 596 retained).
Molecular consequence: synonymous variant.
Genome position (GRCh38, 1-based): chr11:108,252,017, T>C. VCF-style: chr11-108252017-T-C. GRCh37 (hg19) VCF-style: chr11-108122744-T-C.
Other names: c.1788T>C, p.Pro596= (NM_001351834.2).
Identifiers: ClinVar variation 1780134 (VCV001780134.4), dbSNP rs2497274694, ClinGen allele CA476672197.